The following is an entry in ClinVar:

NM_001267550.2(TTN):c.28131C>T (p.Asn9377=)

Gene: TTN (titin; minus strand). Cytogenetic location: 2q31.2.
Variant type: single nucleotide variant.
Coding change: c.28131C>T on transcript NM_001267550.2 (MANE Select); coding-DNA position 28131, C replaced by T.
Protein change: p.Asn9377=; no amino-acid change (asparagine 9377 retained).
Molecular consequence: synonymous variant. On other transcripts: intron variant (3).
Genome position (GRCh38, 1-based): chr2:178,711,105, G>A on the plus strand (C>T on the coding strand, the complement: TTN is on the minus strand). VCF-style: chr2-178711105-G-A. GRCh37 (hg19) VCF-style: chr2-179575832-G-A.
Other names: c.13282+26977C>T (NM_003319.4); c.13858+26977C>T (NM_133437.4); c.13657+26977C>T (NM_133432.3); c.27180C>T, p.Asn9060= (NM_001256850.1); c.24399C>T, p.Asn8133= (NM_133378.4).
Identifiers: ClinVar variation 96276 (VCV000096276.59), dbSNP rs72648997, ClinGen allele CA223917.

ClinVar aggregate classification (germline): Conflicting classifications of pathogenicity. Review status: criteria provided, conflicting classifications (1 of 4 stars). 19 submissions from 15 submitters: Uncertain significance (4); Benign (4); Likely benign (6). 5 of the submissions do not count toward it. Last evaluated 2026-04-01.

Conditions:
Dilated cardiomyopathy 1G (CMD1G). Identifiers: Orphanet 154, MedGen C1858763, MONDO:0011400, OMIM 604145.
Autosomal recessive limb-girdle muscular dystrophy type 2J (LGMDR10). Also called: MUSCULAR DYSTROPHY, LIMB-GIRDLE, AUTOSOMAL RECESSIVE 10; Limb-girdle muscular dystrophy, type 2J. Identifiers: Orphanet 140922, MedGen C1837342, MONDO:0012127, OMIM 608807.
Cardiomyopathy (CMYO). Also called: Cardiomyopathies. Identifiers: Orphanet 167848, MedGen C0878544, MONDO:0004994, HP:0001638. Inheritance: Various modes of inheritance.
Myopathy, myofibrillar, 9, with early respiratory failure (MFM9). Also called: EDSTROM MYOPATHY; MYOPATHY, PROXIMAL, WITH EARLY RESPIRATORY MUSCLE INVOLVEMENT; Myopathy, distal, with early respiratory failure, autosomal dominant; Hereditary myopathy with early respiratory failure. Identifiers: Orphanet 178464, Orphanet 34521, MedGen C1863599, MONDO:0011362, OMIM 603689.
Early-onset myopathy with fatal cardiomyopathy (CMYO5). Also called: Salih Myopathy; CONGENITAL MYOPATHY 5 WITH CARDIOMYOPATHY. Identifiers: Orphanet 289377, MedGen C2673677, MONDO:0012714, OMIM 611705. Disease mechanism: loss of function.
Tibial muscular dystrophy (TMD). Also called: UDD MYOPATHY; Tibial muscular dystrophy, tardive; Udd Distal Myopathy – Tibial Muscular Dystrophy. Identifiers: Orphanet 609, MedGen C1838244, MONDO:0010870, OMIM 600334.

Allele frequency attached by ClinVar (database versions not stated): gnomAD 0.00013; 1000 Genomes Project 30x 0.00016; TOPMed 0.00019; 1000 Genomes Project 0.00020; ESP Exome Variant Server 0.00042.
gnomAD v4.1: 453 of 1,613,374 alleles (0.028%); highest among the groups gnomAD compares: Middle Eastern, 0.45%; 1 homozygote.

Submissions (19):

CeGaT Center for Human Genetics Tuebingen
Classification: Likely benign. Last evaluated: 2026-04-01. Review status: criteria provided, single submitter. Criteria: CeGaT Center For Human Genetics Tuebingen Variant Classification Criteria Version 2. Collection method: clinical testing. Allele origin: germline. Affected: yes. Observed: 14 variant alleles.
Comment: TTN: BP4, BP7

Labcorp Genetics (formerly Invitae), Labcorp
Classification: Likely benign for Dilated cardiomyopathy 1G; Autosomal recessive limb-girdle muscular dystrophy type 2J. Last evaluated: 2026-01-20. Review status: criteria provided, single submitter. Criteria: Invitae Variant Classification Sherloc (09022015). Collection method: clinical testing. Allele origin: germline.

Molecular Diagnostic Laboratory for Inherited Cardiovascular Disease, Montreal Heart Institute
Classification: Likely benign. Last evaluated: 2025-04-09. Review status: criteria provided, single submitter. Criteria: ACMG Guidelines, 2015. Collection method: clinical testing. Allele origin: germline. Affected: no.

Blueprint Genetics
Classification: Likely benign. Last evaluated: 2024-11-22. Review status: criteria provided, single submitter. Criteria: ACMG Guidelines, 2015. Collection method: clinical testing. Allele origin: germline.

Women's Health and Genetics/Laboratory Corporation of America, LabCorp
Classification: Likely benign. Last evaluated: 2021-05-10. Review status: criteria provided, single submitter. Criteria: LabCorp Variant Classification Summary - May 2015. Collection method: clinical testing. Allele origin: germline.

Illumina Laboratory Services, Illumina
Classification: Uncertain significance for Early-onset myopathy with fatal cardiomyopathy. Last evaluated: 2018-01-13. Review status: criteria provided, single submitter. Criteria: ICSL Variant Classification Criteria 13 December 2019. Collection method: clinical testing. Allele origin: germline.

Illumina Laboratory Services, Illumina
Classification: Uncertain significance for Dilated cardiomyopathy 1G. Last evaluated: 2018-01-13. Review status: criteria provided, single submitter. Criteria: ICSL Variant Classification Criteria 13 December 2019. Collection method: clinical testing. Allele origin: germline.

Illumina Laboratory Services, Illumina
Classification: Uncertain significance for Autosomal recessive limb-girdle muscular dystrophy type 2J. Last evaluated: 2018-01-13. Review status: criteria provided, single submitter. Criteria: ICSL Variant Classification Criteria 13 December 2019. Collection method: clinical testing. Allele origin: germline.

Illumina Laboratory Services, Illumina
Classification: Benign for Myopathy, myofibrillar, 9, with early respiratory failure. Last evaluated: 2018-01-13. Review status: criteria provided, single submitter. Criteria: ICSL Variant Classification Criteria 13 December 2019. Collection method: clinical testing. Allele origin: germline.
Comment: This variant was observed in the ICSL laboratory as part of a predisposition screen in an ostensibly healthy population. It had not been previously curated by ICSL or reported in the Human Gene Mutation Database (HGMD: prior to June 1st, 2018), and was therefore a candidate for classification through an automated scoring system. Utilizing variant allele frequency, disease prevalence and penetrance estimates, and inheritance mode, an automated score was calculated to assess if this variant is too frequent to cause the disease. Based on the score and internal cut-off values, a variant classified as benign is not then subjected to further curation. The score for this variant resulted in a classification of benign for this disease.

Illumina Laboratory Services, Illumina
Classification: Benign for Tibial muscular dystrophy. Last evaluated: 2018-01-13. Review status: criteria provided, single submitter. Criteria: ICSL Variant Classification Criteria 13 December 2019. Collection method: clinical testing. Allele origin: germline.
Comment: the same text as in the submission from Illumina Laboratory Services, Illumina above.

CHEO Genetics Diagnostic Laboratory, Children's Hospital of Eastern Ontario
Classification: Benign for Cardiomyopathy. Last evaluated: 2017-12-21. Review status: criteria provided, single submitter. Criteria: ACMG Guidelines, 2015. Collection method: clinical testing. Allele origin: germline.

Eurofins Ntd Llc (ga)
Classification: Uncertain significance. Last evaluated: 2016-01-14. Review status: criteria provided, single submitter. Criteria: EGL Classification Definitions 2015. Collection method: clinical testing. Allele origin: germline. Observed: 2 variant alleles, 2 heterozygotes.

Laboratory for Molecular Medicine, Mass General Brigham Personalized Medicine
Classification: Likely benign. Last evaluated: 2015-05-14. Review status: criteria provided, single submitter. Criteria: LMM Criteria. Collection method: clinical testing. Allele origin: germline. Observed: 3 variant alleles.
Comment: p.Asn8133Asn in exon 94 of TTN: This variant is not expected to have clinical si gnificance because it does not alter an amino acid residue and is not located wi thin the splice consensus sequence. It has been identified in 32/65938 European chromosomes by the Exome Aggregation Consortium (ExAC; dbSNP rs72648997).

GeneDx
Classification: Benign. Last evaluated: 2014-04-03. Review status: criteria provided, single submitter. Criteria: GeneDx Variant Classification (06012015). Collection method: clinical testing. Allele origin: germline. Affected: yes.
Comment: This variant is considered likely benign or benign based on one or more of the following criteria: it is a conservative change, it occurs at a poorly conserved position in the protein, it is predicted to be benign by multiple in silico algorithms, and/or has population frequency not consistent with disease.

Clinical Genetics DNA and cytogenetics Diagnostics Lab, Erasmus MC, Erasmus Medical Center
Classification: Likely benign. Review status: no assertion criteria provided. Collection method: clinical testing. Allele origin: germline. Affected: yes. Study: VKGL Data-share Consensus. Not counted in ClinVar's aggregate classification.

Clinical Genetics, Academic Medical Center
Classification: Benign. Review status: no assertion criteria provided. Collection method: clinical testing. Allele origin: germline. Affected: yes. Study: VKGL Data-share Consensus. Not counted in ClinVar's aggregate classification.

Diagnostic Laboratory, Department of Genetics, University Medical Center Groningen
Classification: Likely benign. Review status: no assertion criteria provided. Collection method: clinical testing. Allele origin: germline. Affected: yes. Study: VKGL Data-share Consensus. Not counted in ClinVar's aggregate classification.

Joint Genome Diagnostic Labs from Nijmegen and Maastricht, Radboudumc and MUMC+
Classification: Likely benign. Review status: no assertion criteria provided. Collection method: clinical testing. Allele origin: germline. Affected: yes. Study: VKGL Data-share Consensus. Not counted in ClinVar's aggregate classification.

Laboratory of Diagnostic Genome Analysis, Leiden University Medical Center (LUMC)
Classification: Likely benign. Review status: no assertion criteria provided. Collection method: clinical testing. Allele origin: germline. Affected: yes. Study: VKGL Data-share Consensus. Not counted in ClinVar's aggregate classification.